The following is an entry in ClinVar:

ClinVar aggregate classification (germline): Uncertain significance. Review status: criteria provided, multiple submitters, no conflicts (2 of 4 stars). 8 submissions from 8 submitters: Uncertain significance (8). Last evaluated 2025-10-03.

Conditions:
Cardiovascular phenotype. Identifiers: MedGen CN230736.
Cardiomyopathy (CMYO). Also called: Cardiomyopathies. Identifiers: Orphanet 167848, MedGen C0878544, MONDO:0004994, HP:0001638. Inheritance: Various modes of inheritance.
Hypertrophic cardiomyopathy. Also called: HYPERTROPHIC MYOCARDIOPATHY. Identifiers: Orphanet 217569, MedGen C0007194, MeSH D002312, MONDO:0005045, HP:0001639.

Allele frequency attached by ClinVar (database versions not stated): gnomAD 0.00002 and 0.00003; TOPMed 0.00003.
gnomAD v4.1: 43 of 1,602,216 alleles (0.0027%); highest among the groups gnomAD compares: Non-Finnish European, 0.0033%; no homozygotes.

Submissions (8):

Ambry Genetics
Classification: Uncertain significance for Cardiovascular phenotype. Last evaluated: 2025-10-03. Review status: criteria provided, single submitter. Criteria: Ambry Variant Classification Scheme 2023. Collection method: clinical testing. Allele origin: germline.
Comment: The p.V1159M variant (also known as c.3475G>A), located in coding exon 25 of the MYH7 gene, results from a G to A substitution at nucleotide position 3475. The valine at codon 1159 is replaced by methionine, an amino acid with highly similar properties. This variant was reported in individual(s) with features consistent with hypertrophic cardiomyopathy (Walsh R et al. Genet Med, 2017 02;19:192-203; Harper AR et al. Nat Genet, 2021 02;53:135-142). This amino acid position is not well conserved in available vertebrate species. In addition, this alteration is predicted to be tolerated by in silico analysis. Based on the available evidence, the clinical significance of this variant remains unclear.

Mayo Clinic Laboratories, Mayo Clinic
Classification: Uncertain significance. Last evaluated: 2025-09-13. Review status: criteria provided, single submitter. Criteria: ACMG Guidelines, 2015. Collection method: clinical testing. Allele origin: germline. Observed: 1 variant allele.
Comment: PM2_supporting

All of Us Research Program, National Institutes of Health
Classification: Uncertain significance for Cardiomyopathy. Last evaluated: 2024-07-29. Review status: criteria provided, single submitter. Criteria: ACMG Guidelines, 2015. Collection method: clinical testing. Allele origin: germline. Inheritance: Autosomal dominant inheritance. Observed: 17 variant alleles, 17 heterozygotes.
Comment: This missense variant replaces valine with methionine at codon 1159 of the MYH7 protein. Computational prediction tools indicate that this variant has a neutral impact on protein structure and function. To our knowledge, functional studies have not been reported for this variant. This variant has been reported in four individuals affected with hypertrophic cardiomyopathy (PMID: 27532257, 33495597) and in one infant affected with sudden death (PMID: 37589201). This variant has not been identified in the general population by the Genome Aggregation Database (gnomAD). The available evidence is insufficient to determine the role of this variant in disease conclusively. Therefore, this variant is classified as a Variant of Uncertain Significance.

This study involves interpretation of variants in research participants for the purpose of population health screening. Participant phenotype was not available at the time of variant classification. Additional details can be found in publication PMID: 35346344, PMCID: PMC8962531

Color Diagnostics, LLC DBA Color Health
Classification: Uncertain significance for Cardiomyopathy. Last evaluated: 2024-05-28. Review status: criteria provided, single submitter. Criteria: ACMG Guidelines, 2015. Collection method: clinical testing. Allele origin: germline.
Comment: This missense variant replaces valine with methionine at codon 1159 of the MYH7 protein. Computational prediction tools indicate that this variant has a neutral impact on protein structure and function. To our knowledge, functional studies have not been reported for this variant. This variant has been reported in four individuals affected with hypertrophic cardiomyopathy (PMID: 27532257, 33495597) and in one infant affected with sudden death (PMID: 37589201). This variant has not been identified in the general population by the Genome Aggregation Database (gnomAD). The available evidence is insufficient to determine the role of this variant in disease conclusively. Therefore, this variant is classified as a Variant of Uncertain Significance.

Blueprint Genetics
Classification: Uncertain significance. Last evaluated: 2023-06-06. Review status: criteria provided, single submitter. Criteria: ACMG Guidelines, 2015. Collection method: clinical testing. Allele origin: germline.

Revvity Omics, Revvity
Classification: Uncertain significance. Last evaluated: 2022-03-30. Review status: criteria provided, single submitter. Criteria: ACMG Guidelines, 2015. Collection method: clinical testing. Allele origin: germline.

Labcorp Genetics (formerly Invitae), Labcorp
Classification: Uncertain significance for Hypertrophic cardiomyopathy. Last evaluated: 2022-03-14. Review status: criteria provided, single submitter. Criteria: Invitae Variant Classification Sherloc (09022015). Collection method: clinical testing. Allele origin: germline.
Comment: This sequence change replaces valine, which is neutral and non-polar, with methionine, which is neutral and non-polar, at codon 1159 of the MYH7 protein (p.Val1159Met). This variant is not present in population databases (gnomAD no frequency). This missense change has been observed in individual(s) with hypertrophic cardiomyopathy (PMID: 27532257). ClinVar contains an entry for this variant (Variation ID: 181224). Algorithms developed to predict the effect of missense changes on protein structure and function are either unavailable or do not agree on the potential impact of this missense change (SIFT: "Deleterious"; PolyPhen-2: "Possibly Damaging"; Align-GVGD: "Class C0"). In summary, the available evidence is currently insufficient to determine the role of this variant in disease. Therefore, it has been classified as a Variant of Uncertain Significance.

GeneDx
Classification: Uncertain significance. Last evaluated: 2018-06-07. Review status: criteria provided, single submitter. Criteria: GeneDx Variant Classification (06012015). Collection method: clinical testing. Allele origin: germline. Affected: yes.
Comment: The V1159M variant in the MYH7 gene has been reported previously in 4 individuals with hypertrophic cardiomyopathy; however familial segregation and additional clinical information was not provided, and is unknown whether these individuals were found to harbor variants in other genes associated with hypertrophic cardiomyopathy (Walsh et al., 2017). The V1159M variant is not observed in large population cohorts (Lek et al., 2016). The V1159M variant is a conservative amino acid substitution, which is not likely to impact secondary protein structure as these residues share similar properties. In-silico analyses, including protein predictors and evolutionary conservation, support that this variant does not alter protein structure/function. We interpret V1159M as a variant of uncertain significance.

Literature cited by the submitters: PubMed 27532257 (cited by 5 submitters); PubMed 33495597 (cited by 4 submitters); PubMed 37589201 (cited by 4 submitters).

NM_000257.4(MYH7):c.3475G>A (p.Val1159Met)

Gene: MYH7 (myosin heavy chain 7; minus strand). Cytogenetic location: 14q11.2.
Variant type: single nucleotide variant.
Coding change: c.3475G>A on transcript NM_000257.4 (MANE Select); coding-DNA position 3475, G replaced by A.
Protein change: p.Val1159Met; replaces valine 1159 with methionine.
Molecular consequence: missense variant.
Genome position (GRCh38, 1-based): chr14:23,420,096, C>T on the plus strand (G>A on the coding strand, the complement: MYH7 is on the minus strand). VCF-style: chr14-23420096-C-T. GRCh37 (hg19) VCF-style: chr14-23889305-C-T.
Other names: p.V1159M:GTG>ATG; p.Val1159Met; c.3475G>A (LRG_384t1); short protein forms V1159M.
Identifiers: ClinVar variation 181224 (VCV000181224.18), dbSNP rs730880776, ClinGen allele CA013775.